The following is an entry in ClinVar:

ClinVar aggregate classification (germline): Uncertain significance (1 of 4 stars; one submission).

Submission:

GeneDx
Classification: Uncertain significance. Last evaluated: 2024-02-12. Review status: criteria provided, single submitter. Criteria: GeneDx Variant Classification Process June 2021. Collection method: clinical testing. Allele origin: germline. Affected: yes.
Comment: Not observed at significant frequency in large population cohorts (gnomAD); In silico analysis supports that this missense variant has a deleterious effect on protein structure/function; Has not been previously published as pathogenic or benign to our knowledge; Variants in candidate genes are classified as variants of uncertain significance in accordance with ACMG guidelines (PMID: 25741868)

NM_002253.4(KDR):c.2707G>C (p.Gly903Arg)

Gene: KDR (kinase insert domain receptor; minus strand). Cytogenetic location: 4q12.
Variant type: single nucleotide variant.
Coding change: c.2707G>C on transcript NM_002253.4 (MANE Select); coding-DNA position 2707, G replaced by C.
Protein change: p.Gly903Arg; replaces glycine 903 with arginine.
Molecular consequence: missense variant.
Genome position (GRCh38, 1-based): chr4:55,096,250, C>G on the plus strand (G>C on the coding strand, the complement: KDR is on the minus strand). VCF-style: chr4-55096250-C-G. GRCh37 (hg19) VCF-style: chr4-55962417-C-G.
Other names: short protein forms G903R.
Identifiers: ClinVar variation 4075513 (VCV004075513.1).